The following is an entry in ClinVar:

NM_080473.5(GATA5):c.295C>T (p.Pro99Ser)

Gene: GATA5 (GATA binding protein 5; minus strand). Cytogenetic location: 20q13.33.
Variant type: single nucleotide variant.
Coding change: c.295C>T on transcript NM_080473.5 (MANE Select); coding-DNA position 295, C replaced by T.
Protein change: p.Pro99Ser; replaces proline 99 with serine.
Molecular consequence: missense variant.
Genome position (GRCh38, 1-based): chr20:62,475,227, G>A on the plus strand (C>T on the coding strand, the complement: GATA5 is on the minus strand). VCF-style: chr20-62475227-G-A. GRCh37 (hg19) VCF-style: chr20-61050283-G-A.
Other names: short protein forms P99S.
Identifiers: ClinVar variation 3364609 (VCV003364609.1).

ClinVar aggregate classification (germline): Uncertain significance (1 of 4 stars; one submission).

Submission:

GeneDx
Classification: Uncertain significance. Last evaluated: 2023-11-22. Review status: criteria provided, single submitter. Criteria: GeneDx Variant Classification Process June 2021. Collection method: clinical testing. Allele origin: germline. Affected: yes.
Comment: Not observed at significant frequency in large population cohorts (gnomAD); In silico analysis supports that this missense variant does not alter protein structure/function; Has not been previously published as pathogenic or benign to our knowledge